The following is an entry in ClinVar:

ClinVar aggregate classification (germline): Uncertain significance (1 of 4 stars; one submission).

Submission:

GeneDx
Classification: Uncertain significance. Last evaluated: 2023-12-18. Review status: criteria provided, single submitter. Criteria: GeneDx Variant Classification Process June 2021. Collection method: clinical testing. Allele origin: germline. Affected: yes.
Comment: Not observed at significant frequency in large population cohorts (gnomAD); In silico analysis supports that this missense variant has a deleterious effect on protein structure/function; Has not been previously published as pathogenic or benign to our knowledge

NM_020987.5(ANK3):c.585T>A (p.Asn195Lys)

Gene: ANK3 (ankyrin 3; minus strand). Cytogenetic location: 10q21.2.
Variant type: single nucleotide variant.
Coding change: c.585T>A on transcript NM_020987.5 (MANE Select); coding-DNA position 585, T replaced by A.
Protein change: p.Asn195Lys; replaces asparagine 195 with lysine.
Molecular consequence: missense variant.
Genome position (GRCh38, 1-based): chr10:60,263,949, A>T on the plus strand (T>A on the coding strand, the complement: ANK3 is on the minus strand). VCF-style: chr10-60263949-A-T. GRCh37 (hg19) VCF-style: chr10-62023707-A-T.
Other names: c.567T>A, p.Asn189Lys (NM_001204403.2); c.534T>A, p.Asn178Lys (NM_001204404.2); c.585T>A, p.Asn195Lys (NM_001320874.2); short protein forms N178K, N189K, N195K.
Identifiers: ClinVar variation 3369995 (VCV003369995.1).
Genomic context (GRCh38, chr10:60,263,949, plus strand): 5'-CGTGTCGTCTTTTCGGGCCGCGATATGAAGAGCTGGGAGACGCACTTTTCCTTTGGTGTC[A>T]TTCTCTAGCAGGAGCGAAACGACTTGGTCGTGACCTTGTTGCAAAGCCACTGCCAATGGT-3'
Protein context (NP_066267.2, residues 185-205): HDQVVSLLLE[Asn195Lys]DTKGKVRLPA